The following is an entry in ClinVar:

ClinVar aggregate classification (germline): Benign/Likely benign. Review status: criteria provided, multiple submitters, no conflicts (2 of 4 stars). 9 submissions from 9 submitters: Benign (1); Likely benign (8). Last evaluated 2026-01-26.

Conditions:
Hereditary cancer-predisposing syndrome. Also called: Neoplastic Syndromes, Hereditary; Hereditary Cancer Syndrome; Tumor predisposition; Hereditary neoplastic syndrome. Identifiers: Orphanet 140162, MedGen C0027672, MeSH D009386, MONDO:0015356.
Ataxia-telangiectasia syndrome (AT). Also called: LOUIS-BAR SYNDROME; Cerebello-oculocutaneous telangiectasia; Immunodeficiency with ataxia telangiectasia; Ataxia-telangiectasia, complementation group D; AT, COMPLEMENTATION GROUP C; Ataxia-telangiectasia, complementation group E. Identifiers: Orphanet 100, MedGen C0004135, MONDO:0008840, OMIM 208900.
Familial cancer of breast. Also called: Hereditary breast cancer; BREAST CANCER, FAMILIAL; hereditary breast carcinoma. Identifiers: Orphanet 227535, MedGen C0346153, MONDO:0016419, OMIM 114480. Disease mechanism: loss of function.

Allele frequency attached by ClinVar (database versions not stated): gnomAD exomes 0.00011; gnomAD 0.00001 and 0.00003; TOPMed 0.00003; ExAC 0.00014; 1000 Genomes Project 30x 0.00031; 1000 Genomes Project 0.00040.
gnomAD v4.1: 89 of 1,513,644 alleles (0.0059%); highest among the groups gnomAD compares: South Asian, 0.065%; no homozygotes.

Submissions (9):

Labcorp Genetics (formerly Invitae), Labcorp
Classification: Likely benign for Ataxia-telangiectasia syndrome. Last evaluated: 2026-01-26. Review status: criteria provided, single submitter. Criteria: Invitae Variant Classification Sherloc (09022015). Collection method: clinical testing. Allele origin: germline.

Center for Genomic Medicine, Rigshospitalet, Copenhagen University Hospital
Classification: Likely benign. Last evaluated: 2025-03-04. Review status: criteria provided, single submitter. Criteria: ACMG Guidelines, 2015. Collection method: clinical testing. Allele origin: germline.

Blueprint Genetics
Classification: Likely benign. Last evaluated: 2024-10-08. Review status: criteria provided, single submitter. Criteria: ACMG Guidelines, 2015. Collection method: clinical testing. Allele origin: germline.

Myriad Genetics, Inc.
Classification: Likely benign for Familial cancer of breast. Last evaluated: 2024-05-28. Review status: criteria provided, single submitter. Criteria: Myriad Autosomal Dominant, Autosomal Recessive and X-Linked Classification Criteria (2023). Collection method: clinical testing. Allele origin: unknown.
Comment: This variant is considered likely benign. This variant is intronic and is not expected to impact mRNA splicing.

Women's Health and Genetics/Laboratory Corporation of America, LabCorp
Classification: Likely benign. Last evaluated: 2023-08-28. Review status: criteria provided, single submitter. Criteria: LabCorp Variant Classification Summary - May 2015. Collection method: clinical testing. Allele origin: germline.
Comment: Variant summary: ATM c.6006+8T>C alters a non-conserved nucleotide located close to a canonical splice site and therefore could affect mRNA splicing, leading to a significantly altered protein sequence. Consensus agreement among computation tools predict no significant impact on normal splicing. However, these predictions have yet to be confirmed by functional studies. The variant allele was found at a frequency of 0.00011 in 250578 control chromosomes. This frequency is not significantly higher than estimated for a pathogenic variant in ATM causing Breast Cancer (0.00011 vs 0.001), allowing no conclusion about variant significance. To our knowledge, no occurrence of c.6006+8T>C in individuals affected with Breast Cancer and no experimental evidence demonstrating its impact on protein function have been reported. Four submitters have cited clinical-significance assessments for this variant to ClinVar after 2014. All submitters classified the variant as benign/likely benign. Based on the evidence outlined above, the variant was classified as likely benign.

Department of Pathology and Laboratory Medicine, Sinai Health System
Classification: Likely benign for Familial cancer of breast. Last evaluated: 2021-08-24. Review status: criteria provided, single submitter. Criteria: ACMG Guidelines, 2015. Collection method: clinical testing. Allele origin: germline. Affected: yes.

Sema4
Classification: Likely benign for Hereditary cancer-predisposing syndrome. Last evaluated: 2020-07-08. Review status: criteria provided, single submitter. Criteria: Sema4 Curation Guidelines. Collection method: curation. Allele origin: germline.

Color Diagnostics, LLC DBA Color Health
Classification: Likely benign for Hereditary cancer-predisposing syndrome. Last evaluated: 2017-01-25. Review status: criteria provided, single submitter. Criteria: ACMG Guidelines, 2015. Collection method: clinical testing. Allele origin: germline.

GeneDx
Classification: Benign. Last evaluated: 2015-03-03. Review status: criteria provided, single submitter. Criteria: GeneDx Variant Classification Process June 2021. Collection method: clinical testing. Allele origin: germline. Affected: yes.

NM_000051.4(ATM):c.6006+8T>C

Genes: ATM (ATM serine/threonine kinase; plus strand), C11orf65 (chromosome 11 open reading frame 65; minus strand). Cytogenetic location: 11q22.3.
Variant type: single nucleotide variant.
Coding change: c.6006+8T>C on transcript NM_000051.4 (MANE Select); 8 bases into the intron after coding-DNA position 6006, T replaced by C.
Molecular consequence: intron variant.
Genome position (GRCh38, 1-based): chr11:108,312,506, T>C. VCF-style: chr11-108312506-T-C. GRCh37 (hg19) VCF-style: chr11-108183233-T-C.
Other names: c.6006+8T>C (NM_001351834.2); c.641-3435A>G (NM_001330368.2); c.*39-3435A>G (NM_001351110.2).
Identifiers: ClinVar variation 414574 (VCV000414574.20), dbSNP rs56019194, ClinGen allele CA6265815.